The following is an entry in ClinVar:

ClinVar aggregate classification (germline): Uncertain significance (1 of 4 stars; one submission).

Conditions:
Epilepsy. Also called: Seizure disorder. Identifiers: MedGen C0014544, MeSH D004827, MONDO:0005027.

Allele frequency attached by ClinVar (database versions not stated): gnomAD exomes 0.00001; ExAC 0.00002; gnomAD 0.00002; TOPMed 0.00003.

Submission:

Labcorp Genetics (formerly Invitae), Labcorp
Classification: Uncertain significance for Epilepsy. Last evaluated: 2022-07-22. Review status: criteria provided, single submitter. Criteria: Invitae Variant Classification Sherloc (09022015). Collection method: clinical testing. Allele origin: germline.
Comment: This sequence change replaces alanine, which is neutral and non-polar, with threonine, which is neutral and polar, at codon 393 of the PIGQ protein (p.Ala393Thr). This variant is present in population databases (rs747332120, gnomAD 0.003%). This variant has not been reported in the literature in individuals affected with PIGQ-related conditions. ClinVar contains an entry for this variant (Variation ID: 643745). Algorithms developed to predict the effect of missense changes on protein structure and function are either unavailable or do not agree on the potential impact of this missense change (SIFT: "Deleterious"; PolyPhen-2: "Benign"; Align-GVGD: "Class C0"). In summary, the available evidence is currently insufficient to determine the role of this variant in disease. Therefore, it has been classified as a Variant of Uncertain Significance.

NM_004204.5(PIGQ):c.1177G>A (p.Ala393Thr)

Gene: PIGQ (phosphatidylinositol glycan anchor biosynthesis class Q; plus strand). Cytogenetic location: 16p13.3.
Variant type: single nucleotide variant.
Coding change: c.1177G>A on transcript NM_004204.5 (MANE Select); coding-DNA position 1177, G replaced by A.
Protein change: p.Ala393Thr; replaces alanine 393 with threonine.
Molecular consequence: missense variant.
Genome position (GRCh38, 1-based): chr16:578,892, G>A. VCF-style: chr16-578892-G-A. GRCh37 (hg19) VCF-style: chr16-628892-G-A.
Other names: c.1177G>A, p.Ala393Thr (NM_148920.4); short protein forms A393T.
Identifiers: ClinVar variation 643745 (VCV000643745.8), dbSNP rs747332120, ClinGen allele CA7780139.